The following is an entry in ClinVar:

ClinVar aggregate classification (germline): Pathogenic/Likely pathogenic. Review status: criteria provided, multiple submitters, no conflicts (2 of 4 stars). 3 submissions from 3 submitters: Pathogenic (1); Likely pathogenic (1). 1 of the submissions does not count toward it. Last evaluated 2022-11-17.

Conditions:
Ehlers-Danlos syndrome, type 4 (EDSVASC). Also called: Ehlers-Danlos syndrome vascular type; Ehlers Danlos syndrome, ecchymotic type; Ehlers Danlos syndrome, arterial type; Ehlers Danlos syndrome, Sack-Barabas type; Ehlers-Danlos Syndrome Type IV. Identifiers: Orphanet 286, MedGen C0268338, MONDO:0017314, OMIM 130050.

Submissions (3):

Labcorp Genetics (formerly Invitae), Labcorp
Classification: Likely pathogenic for Ehlers-Danlos syndrome, type 4. Last evaluated: 2022-11-17. Review status: criteria provided, single submitter. Criteria: Invitae Variant Classification Sherloc (09022015). Collection method: clinical testing. Allele origin: germline.
Comment: ClinVar contains an entry for this variant (Variation ID: 101367). In summary, the currently available evidence indicates that the variant is pathogenic, but additional data are needed to prove that conclusively. Therefore, this variant has been classified as Likely Pathogenic. This variant disrupts the p.Gly261 amino acid residue in COL3A1. Other variant(s) that disrupt this residue have been observed in individuals with COL3A1-related conditions (PMID: 18389341), which suggests that this may be a clinically significant amino acid residue. This variant disrupts the triple helix domain of COL3A1. Glycine residues within the Gly-Xaa-Yaa repeats of the triple helix domain are required for the structure and stability of fibrillar collagens (PMID: 7695699, 8218237, 19344236). In COL3A1, variants that affect these glycine residues are significantly enriched in individuals with disease (PMID: 24922459, 25758994) compared to the general population (ExAC). Advanced modeling of protein sequence and biophysical properties (such as structural, functional, and spatial information, amino acid conservation, physicochemical variation, residue mobility, and thermodynamic stability) performed at Invitae indicates that this missense variant is expected to disrupt COL3A1 protein function. This missense change has been observed in individual(s) with clinical features of vascular Ehlers-Danlos syndrome (PMID: 24922459; Invitae). This variant is not present in population databases (gnomAD no frequency). This sequence change replaces glycine, which is neutral and non-polar, with aspartic acid, which is acidic and polar, at codon 261 of the COL3A1 protein (p.Gly261Asp).

GeneDx
Classification: Pathogenic. Last evaluated: 2018-04-12. Review status: criteria provided, single submitter. Criteria: GeneDx Variant Classification (06012015). Collection method: clinical testing. Allele origin: germline. Affected: yes.
Comment: The G261D pathogenic variant in the COL3A1 gene has been reported in a patient with vascular EDS (Pepin et al., 2014). The G261D variant results in a non-conservative amino acid substitution at a position that is conserved across species. Additionally, this variant affects a Glycine residue in a Gly-X-Y motif in the triple helical region of the COL3A1 gene, where the majority of pathogenic missense variants occur (Stenson et al., 2014; Symoens et al., 2012). A variant in the same residue (G261S) has been published as a de novo variant in a patient with abdominal and coronary artery dissections (Lee et al., 2008), further supporting the importance of this residue. Furthermore, the G261D variant is not observed in large population cohorts (Lek et al., 2016; 1000 Genomes Consortium et al., 2015; Exome Variant Server).

Collagen Diagnostic Laboratory, University of Washington
Classification: Pathogenic for Ehlers-Danlos syndrome, type 4. Review status: no assertion criteria provided. Collection method: clinical testing. Allele origin: germline. Affected: yes. Not counted in ClinVar's aggregate classification.

Literature cited by the submitters: PubMed 18389341 (cited by Labcorp Genetics (formerly Invitae), Labcorp); PubMed 7695699 (cited by Labcorp Genetics (formerly Invitae), Labcorp); PubMed 8218237 (cited by Labcorp Genetics (formerly Invitae), Labcorp); PubMed 19344236 (cited by Labcorp Genetics (formerly Invitae), Labcorp); PubMed 24922459 (cited by Labcorp Genetics (formerly Invitae), Labcorp); PubMed 25758994 (cited by Labcorp Genetics (formerly Invitae), Labcorp).

NM_000090.4(COL3A1):c.782G>A (p.Gly261Asp)

Gene: COL3A1 (collagen type III alpha 1 chain; plus strand). Cytogenetic location: 2q32.2.
Variant type: single nucleotide variant.
Coding change: c.782G>A on transcript NM_000090.4 (MANE Select); coding-DNA position 782, G replaced by A.
Protein change: p.Gly261Asp; replaces glycine 261 with aspartic acid.
Molecular consequence: missense variant.
Genome position (GRCh38, 1-based): chr2:188,990,344, G>A. VCF-style: chr2-188990344-G-A. GRCh37 (hg19) VCF-style: chr2-189855070-G-A.
Identifiers: ClinVar variation 101367 (VCV000101367.6), dbSNP rs587779635, ClinGen allele CA007414.
Genomic context (GRCh38, chr2:188,990,344, plus strand): 5'-ATTTTTTCATTCATTATTTTTAGGGTATCAAAGGTCCAGCTGGGATACCTGGATTCCCTG[G>A]TATGAAAGGACACAGAGTAAGTAGAGTTTCTAAGTTGTTTACAAGGTATTCCACTGGGCT-3'
Protein context (NP_000081.2, residues 251-271): KGPAGIPGFP[Gly261Asp]MKGHRGFDGR